The following is an entry in ClinVar:

NM_000206.3(IL2RG):c.431_433delinsGGG (p.Gln144_Met145delinsArgVal)

Gene: IL2RG (interleukin 2 receptor subunit gamma; minus strand). Cytogenetic location: Xq13.1.
Variant type: Indel.
Coding change: c.431_433delinsGGG on transcript NM_000206.3 (MANE Select); coding-DNA positions 431 to 433, AGA replaced by GGG.
Protein change: p.Gln144_Met145delinsArgVal.
Molecular consequence: missense variant.
Genome position (GRCh38, 1-based): chrX:71,110,525-71,110,527, TCT replaced by CCC on the plus strand (AGA replaced by GGG on the coding strand, the reverse complement: IL2RG is on the minus strand). VCF-style: chrX-71110525-TCT-CCC. GRCh37 (hg19) VCF-style: chrX-70330375-TCT-CCC.
Identifiers: ClinVar variation 2721286 (VCV002721286.2), dbSNP rs1602289405, ClinGen allele CA915951162.

ClinVar aggregate classification (germline): Uncertain significance (1 of 4 stars; one submission).

Conditions:
X-linked severe combined immunodeficiency (SCIDX1). Also called: X-Linked Combined Immunodeficiency Diseases; IMMUNODEFICIENCY 4; SCID, X-LINKED; SEVERE COMBINED IMMUNODEFICIENCY, X-LINKED, T CELL-NEGATIVE, B CELL-POSITIVE, NK CELL-NEGATIVE; T-B+ severe combined immunodeficiency due to gamma chain deficiency. Identifiers: Orphanet 276, MedGen C6022468, MONDO:0010315, OMIM 300400. Disease mechanism: loss of function.

Submission:

Labcorp Genetics (formerly Invitae), Labcorp
Classification: Uncertain significance for X-linked severe combined immunodeficiency. Last evaluated: 2018-10-29. Review status: criteria provided, single submitter. Criteria: Invitae Variant Classification Sherloc (09022015). Collection method: clinical testing. Allele origin: germline.
Comment: This variant has not been reported in the literature in individuals with IL2RG-related disease. In summary, the available evidence is currently insufficient to determine the role of this variant in disease. Therefore, it has been classified as a Variant of Uncertain Significance. Experimental studies and prediction algorithms are not available for this variant, and the functional significance of the affected amino acid(s) is currently unknown. This variant is not present in population databases (ExAC no frequency). This variant, c.431_433delinsGGG, is a complex sequence change that results in the replacement of 2 amino acids of the IL2RG protein (p.Gln144_Met145delinsArgVal).